The following is an entry in ClinVar:

NM_000400.4(ERCC2):c.2183T>G (p.Phe728Cys)

Gene: ERCC2 (ERCC excision repair 2, TFIIH core complex helicase subunit; minus strand). Cytogenetic location: 19q13.32.
Variant type: single nucleotide variant.
Coding change: c.2183T>G on transcript NM_000400.4 (MANE Select); coding-DNA position 2183, T replaced by G.
Protein change: p.Phe728Cys; replaces phenylalanine 728 with cysteine.
Molecular consequence: missense variant.
Genome position (GRCh38, 1-based): chr19:45,352,216, A>C on the plus strand (T>G on the coding strand, the complement: ERCC2 is on the minus strand). VCF-style: chr19-45352216-A-C. GRCh37 (hg19) VCF-style: chr19-45855474-A-C.
Other names: short protein forms F728C.
Identifiers: ClinVar variation 3276270 (VCV003276270.1).

ClinVar aggregate classification (germline): Uncertain significance (1 of 4 stars; one submission).

Conditions:
Inborn genetic diseases. Identifiers: MedGen C0950123, MeSH D030342.

Submission:

Ambry Genetics
Classification: Uncertain significance for Inborn genetic diseases. Last evaluated: 2024-05-02. Review status: criteria provided, single submitter. Criteria: Ambry Variant Classification Scheme 2023. Collection method: clinical testing. Allele origin: germline.
Comment: The p.F728C variant (also known as c.2183T>G), located in coding exon 22 of the ERCC2 gene, results from a T to G substitution at nucleotide position 2183. The phenylalanine at codon 728 is replaced by cysteine, an amino acid with highly dissimilar properties. This amino acid position is conserved. In addition, this alteration is predicted to be deleterious by in silico analysis. Based on the available evidence, the clinical significance of this variant remains unclear.